The following is an entry in ClinVar:

NM_007294.4(BRCA1):c.5212G>T (p.Gly1738Ter)

Gene: BRCA1 (BRCA1 DNA repair associated; minus strand). Cytogenetic location: 17q21.31.
Variant type: single nucleotide variant.
Coding change: c.5212G>T on transcript NM_007294.4 (MANE Select); coding-DNA position 5212, G replaced by T.
Protein change: p.Gly1738Ter; replaces glycine 1738 with a stop codon.
Molecular consequence: nonsense. On other transcripts: non-coding transcript variant (1).
Genome position (GRCh38, 1-based): chr17:43,057,117, C>A on the plus strand (G>T on the coding strand, the complement: BRCA1 is on the minus strand). VCF-style: chr17-43057117-C-A. GRCh37 (hg19) VCF-style: chr17-41209134-C-A.
Other names: 5331G>T; c.5209G>T, p.Gly1737Ter (NM_001407622.1, NM_001407623.1, NM_001407624.1 and 17 more transcripts); c.5206G>T, p.Gly1736Ter (NM_001407636.1, NM_001407637.1, NM_001407638.1 and 14 more transcripts); c.5203G>T, p.Gly1735Ter (NM_001407644.1, NM_001407645.1); c.5131G>T, p.Gly1711Ter (NM_001407658.1, NM_001407656.1, NM_001407657.1); c.5128G>T, p.Gly1710Ter (NM_001407659.1, NM_001407660.1, NM_001407661.1 and 2 more transcripts); c.5089G>T, p.Gly1697Ter (NM_001407664.1, NM_001407665.1, NM_001407666.1 and 6 more transcripts); c.5086G>T, p.Gly1696Ter (NM_001407677.1, NM_001407678.1, NM_001407679.1 and 10 more transcripts); and 73 more; short protein forms G1738*, G634*, G1691*, G1759*, G1442*, G1649*, G1669*, G1689*.
Identifiers: ClinVar variation 266534 (VCV000266534.8), dbSNP rs80356937, ClinGen allele CA10589610.

ClinVar aggregate classification (germline): Pathogenic. Review status: reviewed by expert panel (3 of 4 stars). 2 submissions from 2 submitters: Pathogenic (1). 1 of the submissions does not count toward it. Last evaluated 2016-10-18.

Conditions:
Breast-ovarian cancer, familial, susceptibility to, 1 (BROVCA1). Also called: BRCA1 Hereditary Breast and Ovarian Cancer; OVARIAN CANCER, SUSCEPTIBILITY TO. Identifiers: Orphanet 145, MedGen C2676676, MONDO:0011450, OMIM 604370. Disease mechanism: loss of function.

Submissions (3):

Evidence-based Network for the Interpretation of Germline Mutant Alleles (ENIGMA)
Classification: Pathogenic for Breast-ovarian cancer, familial, susceptibility to, 1. Last evaluated: 2016-10-18. Review status: reviewed by expert panel. Criteria: ENIGMA BRCA1/2 Classification Criteria (2015). Collection method: curation. Allele origin: germline.
Comment: Variant allele predicted to encode a truncated non-functional protein.

Consortium of Investigators of Modifiers of BRCA1/2 (CIMBA), c/o University of Cambridge
Classification: Pathogenic for Breast-ovarian cancer, familial, susceptibility to, 1. Last evaluated: 2015-10-02. Review status: criteria provided, single submitter. Criteria: CIMBA Mutation Classification guidelines May 2016. Collection method: clinical testing. Allele origin: germline. Not counted in ClinVar's aggregate classification.

Brotman Baty Institute, University of Washington
No classification provided (evidence only). Condition: Breast-ovarian cancer, familial 1. Review status: no classification provided. Collection method: in vitro. Allele origin: not applicable. Functional consequence: functionally_abnormal. Not counted in ClinVar's aggregate classification.
ClinVar note: "not provided" was previously submitted as the classification for the variant. However, the classification appeared to be based only on an observation of functional data so it was converted to no classification on 2025-07-30.